The following is an entry in ClinVar:

NM_000350.3(ABCA4):c.5196+1216C>A

Gene: ABCA4 (ATP binding cassette subfamily A member 4; minus strand). Cytogenetic location: 1p22.1.
Variant type: single nucleotide variant.
Coding change: c.5196+1216C>A on transcript NM_000350.3 (MANE Select); 1216 bases into the intron after coding-DNA position 5196, C replaced by A.
Molecular consequence: intron variant.
Genome position (GRCh38, 1-based): chr1:94,018,366, G>T on the plus strand (C>A on the coding strand, the complement: ABCA4 is on the minus strand). VCF-style: chr1-94018366-G-T. GRCh37 (hg19) VCF-style: chr1-94483922-G-T.
Identifiers: ClinVar variation 1284864 (VCV001284864.9), dbSNP rs1659795266, ClinGen allele CA1181413749.

ClinVar aggregate classification (germline): Pathogenic. Review status: criteria provided, single submitter (1 of 4 stars). 3 submissions from 3 submitters: Pathogenic (1). 2 of the submissions do not count toward it. Last evaluated 2025-07-02.

Allele frequency attached by ClinVar (database versions not stated): TOPMed below 0.00001.

Submissions (3):

Labcorp Genetics (formerly Invitae), Labcorp
Classification: Pathogenic. Last evaluated: 2025-07-02. Review status: criteria provided, single submitter. Criteria: Invitae Variant Classification Sherloc (09022015). Collection method: clinical testing. Allele origin: germline.
Comment: This sequence change falls in intron 36 of the ABCA4 gene. It does not directly change the encoded amino acid sequence of the ABCA4 protein. This variant is not present in population databases (gnomAD no frequency). This variant has been observed in individual(s) with Stargardt disease (PMID: 23918662; internal data). In at least one individual the data is consistent with being in trans (on the opposite chromosome) from a pathogenic variant. This variant is also known as IVS36+1216C>A. ClinVar contains an entry for this variant (Variation ID: 1284864). Studies have shown that this variant is associated with altered splicing resulting in multiple RNA products (PMID: 23918662). For these reasons, this variant has been classified as Pathogenic.

Clinical Genetics DNA and cytogenetics Diagnostics Lab, Erasmus MC, Erasmus Medical Center
Classification: Pathogenic. Review status: no assertion criteria provided. Collection method: clinical testing. Allele origin: germline. Affected: yes. Study: VKGL Data-share Consensus. Not counted in ClinVar's aggregate classification.

Clinical Genetics, Academic Medical Center
Classification: Pathogenic. Review status: no assertion criteria provided. Collection method: clinical testing. Allele origin: germline. Affected: yes. Study: VKGL Data-share Consensus. Not counted in ClinVar's aggregate classification.

Literature cited by the submitters: PubMed 23918662 (cited by Labcorp Genetics (formerly Invitae), Labcorp).